The following is an entry in ClinVar:

NM_001368894.2(PAX6):c.807G>C (p.Gln269His)

Gene: PAX6 (paired box 6; minus strand). Cytogenetic location: 11p13.
Variant type: single nucleotide variant.
Coding change: c.807G>C on transcript NM_001368894.2 (MANE Select); coding-DNA position 807, G replaced by C.
Protein change: p.Gln269His; replaces glutamine 269 with histidine.
Molecular consequence: missense variant.
Genome position (GRCh38, 1-based): chr11:31,794,032, C>G on the plus strand (G>C on the coding strand, the complement: PAX6 is on the minus strand). VCF-style: chr11-31794032-C-G. GRCh37 (hg19) VCF-style: chr11-31815580-C-G.
Other names: c.765G>C, p.Gln255His (NM_001368916.2, NM_001368917.2, NM_000280.6 and 10 more transcripts); c.882G>C, p.Gln294His (NM_001368918.2, NM_001368919.2); c.840G>C, p.Gln280His (NM_001368920.2); c.606G>C, p.Gln202His (NM_001368921.2, NM_001368922.2, NM_001368923.2 and 4 more transcripts); c.807G>C, p.Gln269His (NM_001258462.3, NM_001258463.2, NM_001310158.2 and 6 more transcripts); c.357G>C, p.Gln119His (NM_001368899.2, NM_001368900.2, NM_001368901.2 and 11 more transcripts); c.1008G>C, p.Gln336His (NM_001368910.2); c.810G>C, p.Gln270His (NM_001368911.2); and 2 more; short protein forms Q188H, Q270H, Q280H, Q255H, Q54H, Q202H, Q294H, Q336H.
Identifiers: ClinVar variation 800452 (VCV000800452.3), dbSNP rs1592420967, ClinGen allele CA379956600.

ClinVar aggregate classification (germline): Pathogenic. Review status: criteria provided, multiple submitters, no conflicts (2 of 4 stars). 2 submissions from 2 submitters: Pathogenic (2). Last evaluated 2024-09-13.

Conditions:
Aniridia 1 (AN1). Identifiers: Orphanet 250923, MedGen C0344542, MONDO:0024507, OMIM 106210.

Submissions (2):

GeneDx
Classification: Pathogenic. Last evaluated: 2024-09-13. Review status: criteria provided, single submitter. Criteria: GeneDx Variant Classification Process June 2021. Collection method: clinical testing. Allele origin: germline. Affected: yes.
Comment: Not observed at significant frequency in large population cohorts (gnomAD); In silico analysis supports that this missense variant has a deleterious effect on protein structure/function; In silico analysis supports a deleterious effect on splicing; This variant is associated with the following publications: (PMID: 12552561, 26130484, 11779807, Wang2023[preprint], 32360764, 18241071, 33169869, 10737978)

Wessex Regional Genetics Laboratory, Salisbury District Hospital
Classification: Pathogenic for Aniridia 1. Last evaluated: 2019-08-15. Review status: criteria provided, single submitter. Criteria: ACMG Guidelines, 2015. Collection method: clinical testing. Allele origin: de novo, unknown. Inheritance: Autosomal dominant inheritance. Affected: yes. Observed: 2 variant alleles.